The following is an entry in ClinVar:

ClinVar aggregate classification (germline): Uncertain significance. Review status: criteria provided, multiple submitters, no conflicts (2 of 4 stars). 4 submissions from 4 submitters: Uncertain significance (4). Last evaluated 2025-07-14.

Conditions:
Inborn genetic diseases. Identifiers: MedGen C0950123, MeSH D030342.

Allele frequency attached by ClinVar (database versions not stated): ExAC 0.00005; gnomAD exomes 0.00008 and 0.00004; 1000 Genomes Project 30x 0.00016; 1000 Genomes Project 0.00020; gnomAD 0.00034 and 0.00039; TOPMed 0.00043.

Submissions (4):

GeneDx
Classification: Uncertain significance. Last evaluated: 2025-07-14. Review status: criteria provided, single submitter. Criteria: GeneDx Variant Classification Process June 2021. Collection method: clinical testing. Allele origin: germline.
Comment: In silico analysis suggests that this missense variant does not alter protein structure/function; Has not been previously published as pathogenic or benign to our knowledge

Ambry Genetics
Classification: Uncertain significance for Inborn genetic diseases. Last evaluated: 2024-11-14. Review status: criteria provided, single submitter. Criteria: Ambry Variant Classification Scheme 2023. Collection method: clinical testing. Allele origin: germline.

Blueprint Genetics
Classification: Uncertain significance. Last evaluated: 2023-10-06. Review status: criteria provided, single submitter. Criteria: ACMG Guidelines, 2015. Collection method: clinical testing. Allele origin: germline.

Labcorp Genetics (formerly Invitae), Labcorp
Classification: Uncertain significance. Last evaluated: 2023-07-07. Review status: criteria provided, single submitter. Criteria: Invitae Variant Classification Sherloc (09022015). Collection method: clinical testing. Allele origin: germline.
Comment: This sequence change replaces cysteine, which is neutral and slightly polar, with arginine, which is basic and polar, at codon 21 of the LRTOMT protein (p.Cys21Arg). This variant is present in population databases (rs562372195, gnomAD 0.09%). This variant has not been reported in the literature in individuals affected with LRTOMT-related conditions. ClinVar contains an entry for this variant (Variation ID: 1413443). An algorithm developed to predict the effect of missense changes on protein structure and function (PolyPhen-2) suggests that this variant¬†is likely to be tolerated. In summary, the available evidence is currently insufficient to determine the role of this variant in disease. Therefore, it has been classified as a Variant of Uncertain Significance.

NM_001145308.5(LRTOMT):c.61T>C (p.Cys21Arg)

Gene: LRTOMT (leucine rich transmembrane and O-methyltransferase domain containing; plus strand). Cytogenetic location: 11q13.4.
Variant type: single nucleotide variant.
Coding change: c.61T>C on transcript NM_001145308.5; coding-DNA position 61, T replaced by C.
Protein change: p.Cys21Arg; replaces cysteine 21 with arginine.
Molecular consequence: missense variant.
Genome position (GRCh38, 1-based): chr11:72,104,990, T>C. VCF-style: chr11-72104990-T-C. GRCh37 (hg19) VCF-style: chr11-71816036-T-C.
Other names: c.61T>C (NM_001145308.2); c.61T>C, p.Cys21Arg (NM_001145309.4, NM_001145310.4); short protein forms C21R.
Identifiers: ClinVar variation 1413443 (VCV001413443.9), dbSNP rs562372195, ClinGen allele CA6168559.
Genomic context (GRCh38, chr11:72,104,990, plus strand): 5'-TTCCAGCCTCCTACCTCAGGGTTATCCCCCGCAGCAGGCCCTGGACTCCCCGACCTGTCC[T>C]GTGCTCTGGTCCTCCAGCCCAGGTAAGCAGGGCCCTGGATTGTGGGTTCCCAAGCTCACC-3'